The following is an entry in ClinVar:

NM_014112.5(TRPS1):c.*4747_*4753T[7]GTTTTTTT[1]

Gene: TRPS1 (transcriptional repressor GATA binding 1; minus strand). Cytogenetic location: 8q23.3.
Variant type: Microsatellite.
Coding change: c.*4747_*4753T[7]GTTTTTTT[1] on transcript NM_014112.5 (MANE Select).
Molecular consequence: 3 prime UTR variant.
Genome position: GRCh38 VCF-style: chr8-115409269-A-AAAAAAAAC. GRCh37 (hg19) VCF-style: chr8-116421497-A-AAAAAAAAC.
Other names: c.*4747_*4753T[7]GTTTTTTT[1] (NM_001282902.3, NM_001282903.3, NM_001330599.2).
Identifiers: ClinVar variation 2658767 (VCV002658767.24), dbSNP rs1199631166.

ClinVar aggregate classification (germline): Likely benign (1 of 4 stars; one submission).

Submission:

CeGaT Center for Human Genetics Tuebingen
Classification: Likely benign. Last evaluated: 2023-01-01. Review status: criteria provided, single submitter. Criteria: CeGaT Center For Human Genetics Tuebingen Variant Classification Criteria Version 2. Collection method: clinical testing. Allele origin: germline. Affected: yes. Observed: 2 variant alleles.
Comment: TRPS1: BS1